The following is an entry in ClinVar:

NM_016507.4(CDK12):c.1304T>C (p.Val435Ala)

Gene: CDK12 (cyclin dependent kinase 12; plus strand). Cytogenetic location: 17q12.
Variant type: single nucleotide variant.
Coding change: c.1304T>C on transcript NM_016507.4 (MANE Select); coding-DNA position 1304, T replaced by C.
Protein change: p.Val435Ala; replaces valine 435 with alanine.
Molecular consequence: missense variant.
Genome position (GRCh38, 1-based): chr17:39,471,136, T>C. VCF-style: chr17-39471136-T-C. GRCh37 (hg19) VCF-style: chr17-37627389-T-C.
Other names: c.1304T>C, p.Val435Ala (NM_015083.4); short protein forms V435A.
Identifiers: ClinVar variation 5034184 (VCV005034184.1).
Genomic context (GRCh38, chr17:39,471,136, plus strand): 5'-TGGATGGAAAGGAGTCCAAGGGTTCACCTGTATTTTTGCCTAGAAAAGAGAACAGTTCAG[T>C]AGAGGCTAAGGATTCAGGTTTGGAGTCTAAAAAGTTACCCAGAAGTGTAAAATTGGAAAA-3'
Protein context (NP_057591.2, residues 425-445): VFLPRKENSS[Val435Ala]EAKDSGLESK

ClinVar aggregate classification (germline): Uncertain significance (1 of 4 stars; one submission).

gnomAD v4.1: 1 of 1,598,550 alleles (0.000063%); no homozygotes.

Submission:

Ambry Genetics
Classification: Uncertain significance. Last evaluated: 2026-09-05. Review status: criteria provided, single submitter. Criteria: Ambry Variant Classification Scheme 2023. Collection method: clinical testing. Allele origin: germline.
Comment: The p.V435A variant (also known as c.1304T>C), located in coding exon 2 of the CDK12 gene, results from a T to C substitution at nucleotide position 1304. The valine at codon 435 is replaced by alanine, an amino acid with similar properties. This amino acid position is conserved. In addition, this alteration is predicted to be tolerated by in silico analysis. Based on the available evidence, the clinical significance of this variant remains unclear.